The following is an entry in ClinVar:

ClinVar aggregate classification (germline): Pathogenic. Review status: reviewed by expert panel (3 of 4 stars). 6 submissions from 6 submitters: Pathogenic (1). 5 of the submissions do not count toward it. Last evaluated 2016-09-08.

Conditions:
Hereditary cancer-predisposing syndrome. Also called: Tumor predisposition; Neoplastic Syndromes, Hereditary; Hereditary Cancer Syndrome; Hereditary neoplastic syndrome. Identifiers: Orphanet 140162, MedGen C0027672, MeSH D009386, MONDO:0015356.
Hereditary breast ovarian cancer syndrome. Also called: Hereditary breast and ovarian cancer syndrome (HBOC); Hereditary breast and ovarian cancer syndrome; Hereditary breast and ovarian cancer; Hereditary breast and/or ovarian cancer syndrome; Breast and ovarian cancer; BRCA1- and BRCA2-Associated Hereditary Breast and Ovarian Cancer. Identifiers: Orphanet 145, MedGen C0677776, MeSH D061325, MONDO:0003582. Disease mechanism: loss of function.
Breast-ovarian cancer, familial, susceptibility to, 1 (BROVCA1). Also called: OVARIAN CANCER, SUSCEPTIBILITY TO; BRCA1 Hereditary Breast and Ovarian Cancer. Identifiers: Orphanet 145, MedGen C2676676, MONDO:0011450, OMIM 604370. Disease mechanism: loss of function.

Submissions (6):

Evidence-based Network for the Interpretation of Germline Mutant Alleles (ENIGMA)
Classification: Pathogenic for Breast-ovarian cancer, familial, susceptibility to, 1. Last evaluated: 2016-09-08. Review status: reviewed by expert panel. Criteria: ENIGMA BRCA1/2 Classification Criteria (2015). Collection method: curation. Allele origin: germline.
Comment: Variant allele predicted to encode a truncated non-functional protein.

Myriad Genetics, Inc.
Classification: Pathogenic for Breast-ovarian cancer, familial, susceptibility to, 1. Last evaluated: 2026-06-09. Review status: criteria provided, single submitter. Criteria: Myriad Autosomal Dominant, Autosomal Recessive and X-Linked Classification Criteria (2023). Collection method: clinical testing. Allele origin: unknown. Not counted in ClinVar's aggregate classification.
Comment: This variant is considered pathogenic. This variant creates a frameshift predicted to result in premature protein truncation.

Labcorp Genetics (formerly Invitae), Labcorp
Classification: Pathogenic for Hereditary breast ovarian cancer syndrome. Last evaluated: 2023-02-08. Review status: criteria provided, single submitter. Criteria: Invitae Variant Classification Sherloc (09022015). Collection method: clinical testing. Allele origin: germline. Not counted in ClinVar's aggregate classification.
Comment: This sequence change creates a premature translational stop signal (p.Cys61Serfs*4) in the BRCA1 gene. It is expected to result in an absent or disrupted protein product. Loss-of-function variants in BRCA1 are known to be pathogenic (PMID: 20104584). This variant is not present in population databases (gnomAD no frequency). This premature translational stop signal has been observed in individual(s) with hereditary breast or ovarian cancer (PMID: 18821011). ClinVar contains an entry for this variant (Variation ID: 54365). For these reasons, this variant has been classified as Pathogenic.

Ambry Genetics
Classification: Pathogenic for Hereditary cancer-predisposing syndrome. Last evaluated: 2016-06-18. Review status: criteria provided, single submitter. Criteria: Ambry Variant Classification Scheme 2023. Collection method: clinical testing. Allele origin: germline. Not counted in ClinVar's aggregate classification.
Comment: The c.182_183delGT pathogenic mutation, located in coding exon 3 of the BRCA1 gene, results from a deletion of two nucleotides between positions 182 and 183, causing a translational frameshift with a predicted alternate stop codon. This mutation has been identified in one Italian high-risk breast cancer family (Papi L et al, Breast Cancer Res. Treat. 2009 Oct; 117(3):497-504). In addition to the clinical data presented in the literature, this alteration is expected to result in loss of function by premature protein truncation or nonsense-mediated mRNA decay. As such, this alteration is interpreted as a disease-causing mutation.

Consortium of Investigators of Modifiers of BRCA1/2 (CIMBA), c/o University of Cambridge
Classification: Pathogenic for Breast-ovarian cancer, familial, susceptibility to, 1. Last evaluated: 2015-10-02. Review status: criteria provided, single submitter. Criteria: CIMBA Mutation Classification guidelines May 2016. Collection method: clinical testing. Allele origin: germline. Not counted in ClinVar's aggregate classification.

Counsyl
Classification: Likely pathogenic for Breast-ovarian cancer, familial 1. Last evaluated: 2014-08-12. Review status: no assertion criteria provided. Collection method: literature only. Allele origin: unknown. Inheritance: Autosomal dominant inheritance. Not counted in ClinVar's aggregate classification.

Literature cited by the submitters: PubMed 20104584 (cited by Labcorp Genetics (formerly Invitae), Labcorp); PubMed 18821011 (cited by 3 submitters).

NM_007294.4(BRCA1):c.182_183del (p.Cys61fs)

Gene: BRCA1 (BRCA1 DNA repair associated; minus strand). Cytogenetic location: 17q21.31.
Variant type: Microsatellite.
Coding change: c.182_183del on transcript NM_007294.4 (MANE Select); coding-DNA positions 182 to 183, 2 bases deleted (GT; older notation c.182_183delGT).
Protein change: p.Cys61fs; shifts the reading frame from cysteine 61.
Molecular consequence: frameshift variant. On other transcripts: non-coding transcript variant (1).
Genome position (GRCh38, 1-based): chr17:43,106,485-43,106,486, AC deleted on the plus strand (GT on the coding strand, the reverse complement: BRCA1 is on the minus strand); deleting any 2 consecutive bases within chr17:43,106,485-43,106,488 gives the same sequence; the c. name uses the placement nearest the transcript's 3' end. VCF-style (leftmost placement, unchanged base first): chr17-43106484-GAC-G. GRCh37 (hg19) VCF-style: chr17-41258501-GAC-G.
Other names: c.182_183delGT (NM_007294.3); c.182_183del, p.Cys61fs (NM_007300.4, NM_007299.4); c.180_181GT[1], p.Cys61Serfs (NM_007304.2, NM_001407581.1, NM_001407582.1 and 166 more transcripts); c.-9_-8GT[1] (NM_001407571.1, NM_001407853.1, NM_001407879.1 and 58 more transcripts); c.39_40GT[1], p.Cys14Serfs (NM_001407692.1, NM_001407694.1, NM_001407695.1 and 98 more transcripts); c.41_42del, p.Cys14fs (NM_007297.4); short protein forms C14fs, C61fs.
Identifiers: ClinVar variation 54365 (VCV000054365.15), dbSNP rs397508912, ClinGen allele CA001183.